The following is an entry in ClinVar:

NM_170665.4(ATP2A2):c.1743C>A (p.Ala581=)

Gene: ATP2A2 (ATPase sarcoplasmic/endoplasmic reticulum Ca2+ transporting 2; plus strand). Cytogenetic location: 12q24.11.
Variant type: single nucleotide variant.
Coding change: c.1743C>A on transcript NM_170665.4 (MANE Select); coding-DNA position 1743, C replaced by A.
Protein change: p.Ala581=; no amino-acid change (alanine 581 retained).
Molecular consequence: synonymous variant.
Genome position (GRCh38, 1-based): chr12:110,339,703, C>A. VCF-style: chr12-110339703-C-A. GRCh37 (hg19) VCF-style: chr12-110777508-C-A.
Other names: c.1638C>A, p.Ala546= (NM_001413013.1); c.1743C>A, p.Ala581= (NM_001413014.1, NM_001681.4); c.1368C>A, p.Ala456= (NM_001413015.1).
Identifiers: ClinVar variation 3625301 (VCV003625301.3).

ClinVar aggregate classification (germline): Likely benign. Review status: criteria provided, multiple submitters, no conflicts (2 of 4 stars). 2 submissions from 2 submitters: Likely benign (2). Last evaluated 2026-08-01.

gnomAD v4.1: 9 of 1,613,876 alleles (0.00056%); highest among the groups gnomAD compares: African/African-American, 0.0093%; no homozygotes.

Submissions (2):

CeGaT Center for Human Genetics Tuebingen
Classification: Likely benign. Last evaluated: 2026-08-01. Review status: criteria provided, single submitter. Criteria: CeGaT Center For Human Genetics Tuebingen Variant Classification Criteria Version 2. Collection method: clinical testing. Allele origin: germline. Affected: yes. Observed: 1 variant allele.
Comment: ATP2A2: BP4, BP7

Labcorp Genetics (formerly Invitae), Labcorp
Classification: Likely benign. Last evaluated: 2025-03-17. Review status: criteria provided, single submitter. Criteria: Invitae Variant Classification Sherloc (09022015). Collection method: clinical testing. Allele origin: germline.